The following is an entry in ClinVar:

NM_003803.4(MYOM1):c.158C>T (p.Ala53Val)

Gene: MYOM1 (myomesin 1; minus strand). Cytogenetic location: 18p11.31.
Variant type: single nucleotide variant.
Coding change: c.158C>T on transcript NM_003803.4 (MANE Select); coding-DNA position 158, C replaced by T.
Protein change: p.Ala53Val; replaces alanine 53 with valine.
Molecular consequence: missense variant.
Genome position (GRCh38, 1-based): chr18:3,215,066, G>A on the plus strand (C>T on the coding strand, the complement: MYOM1 is on the minus strand). VCF-style: chr18-3215066-G-A. GRCh37 (hg19) VCF-style: chr18-3215064-G-A.
Other names: c.158C>T, p.Ala53Val (NM_019856.2); short protein forms A53V.
Identifiers: ClinVar variation 505876 (VCV000505876.15), dbSNP rs747035411, ClinGen allele CA8875343.

ClinVar aggregate classification (germline): Uncertain significance. Review status: criteria provided, multiple submitters, no conflicts (2 of 4 stars). 3 submissions from 3 submitters: Uncertain significance (3). Last evaluated 2025-12-29.

Conditions:
Cardiovascular phenotype. Identifiers: MedGen CN230736.
Hypertrophic cardiomyopathy. Also called: HYPERTROPHIC MYOCARDIOPATHY. Identifiers: Orphanet 217569, MedGen C0007194, MeSH D002312, MONDO:0005045, HP:0001639.

Allele frequency attached by ClinVar (database versions not stated): gnomAD 0.00003; TOPMed 0.00005; ExAC 0.00007; gnomAD exomes 0.00008.
gnomAD v4.1: 70 of 1,613,398 alleles (0.0043%); highest among the groups gnomAD compares: Non-Finnish European, 0.0058%; no homozygotes.

Submissions (3):

Labcorp Genetics (formerly Invitae), Labcorp
Classification: Uncertain significance for Hypertrophic cardiomyopathy. Last evaluated: 2025-12-29. Review status: criteria provided, single submitter. Criteria: Invitae Variant Classification Sherloc (09022015). Collection method: clinical testing. Allele origin: germline.
Comment: This sequence change replaces alanine, which is neutral and non-polar, with valine, which is neutral and non-polar, at codon 53 of the MYOM1 protein (p.Ala53Val). This variant is present in population databases (rs747035411, gnomAD 0.02%). This variant has not been reported in the literature in individuals affected with MYOM1-related conditions. ClinVar contains an entry for this variant (Variation ID: 505876). An algorithm developed to predict the effect of missense changes on protein structure and function (PolyPhen-2) suggests that this variant is likely to be tolerated. In summary, the available evidence is currently insufficient to determine the role of this variant in disease. Therefore, it has been classified as a Variant of Uncertain Significance.

Laboratory for Molecular Medicine, Mass General Brigham Personalized Medicine
Classification: Uncertain significance. Last evaluated: 2017-06-19. Review status: criteria provided, single submitter. Criteria: LMM Criteria. Collection method: clinical testing. Allele origin: germline. Observed: 1 variant allele.
Comment: The p.Ala53Val in MYOM1 has not been previously reported in individuals with car diomyopathy, but has been identified in 19/125648 European chromosomes by the Ge nome Aggregation Database (gnomAD; dbSNP rs747 035411). Computational prediction tools and conservation analysis do not provide strong support for or against an impact to the protein. In summary, the clinica l significance of the p.Ala53Val variant is uncertain.

Ambry Genetics
Classification: Uncertain significance for Cardiovascular phenotype. Last evaluated: 2013-08-07. Review status: criteria provided, single submitter. Criteria: Ambry Autosomal Dominant and X-Linked criteria (10/2015). Collection method: clinical testing. Allele origin: germline. Observed: 1 variant allele.
Comment: The p.A53V variant (also known as c.158C>T) is located in coding exon 1 of the MYOM1 gene. This alteration results from a C to T substitution at nucleotide position 158. The alanine at codon 53 is replaced by valine, an amino acid with similar properties. This variant was not reported in population-based cohorts in the following databases: Database of Single Nucleotide Polymorphisms (dbSNP), the 1000 Genomes Project and the NHLBI Exome Sequencing Project (ESP). In the ESP, this variant was not observed in 6205 samples (12410 alleles) with coverage at this position. Based on a limited protein sequence alignment, this amino acid position is highly conserved in available vertebrate species. In addition, this alteration is predicted to be benign by Polyphen, yet deleterious by SIFT in silico analyses, respectively. Since supporting evidence is limited at this time, the clinical significance of this variant remains unclear.